The following is an entry in ClinVar:

ClinVar aggregate classification (germline): Likely benign (1 of 4 stars; one submission).

Allele frequency attached by ClinVar (database versions not stated): gnomAD 0.00891; TOPMed 0.00898; 1000 Genomes Project 0.01038; 1000 Genomes Project 30x 0.01156.
gnomAD v4.1: 2,116 of 969,084 alleles (0.22%); highest among the groups gnomAD compares: African/African-American, 3%; 32 homozygotes.

Submission:

GeneDx
Classification: Likely benign. Last evaluated: 2021-05-18. Review status: criteria provided, single submitter. Criteria: GeneDx Variant Classification Process June 2021. Collection method: clinical testing. Allele origin: germline. Affected: yes.
Comment: See Variant Classification Assertion Criteria.

NM_006364.4(SEC23A):c.1737+69A>G

Gene: SEC23A (SEC23 homolog A, COPII coat complex component; minus strand). Cytogenetic location: 14q21.1.
Variant type: single nucleotide variant.
Coding change: c.1737+69A>G on transcript NM_006364.4 (MANE Select); 69 bases into the intron after coding-DNA position 1737, A replaced by G.
Molecular consequence: intron variant.
Genome position (GRCh38, 1-based): chr14:39,048,583, T>C on the plus strand (A>G on the coding strand, the complement: SEC23A is on the minus strand). VCF-style: chr14-39048583-T-C. GRCh37 (hg19) VCF-style: chr14-39517787-T-C.
Identifiers: ClinVar variation 1706712 (VCV001706712.2), dbSNP rs146486602, ClinGen allele CA259526963.